The following is an entry in ClinVar:

ClinVar aggregate classification (germline): Benign. Review status: criteria provided, single submitter (1 of 4 stars). 2 submissions from 2 submitters: Benign (1). 1 of the submissions does not count toward it. Last evaluated 2026-02-01.

Conditions:
LAMA5-related disorder. Also called: LAMA5-related condition; LAMA5-Related Disorders.

Submissions (2):

Labcorp Genetics (formerly Invitae), Labcorp
Classification: Benign. Last evaluated: 2026-02-01. Review status: criteria provided, single submitter. Criteria: Invitae Variant Classification Sherloc (09022015). Collection method: clinical testing. Allele origin: germline.

PreventionGenetics, part of Exact Sciences
Classification: Benign for LAMA5-related condition. Last evaluated: 2021-07-26. Review status: no assertion criteria provided. Collection method: clinical testing. Allele origin: germline. Not counted in ClinVar's aggregate classification.
Comment: This variant is classified as benign based on ACMG/AMP sequence variant interpretation guidelines (Richards et al. 2015 PMID: 25741868, with internal and published modifications).

NM_005560.6(LAMA5):c.956+11_956+26del

Gene: LAMA5 (laminin subunit alpha 5; minus strand). Cytogenetic location: 20q13.33.
Variant type: Deletion.
Coding change: c.956+11_956+26del on transcript NM_005560.6 (MANE Select); bases 11 to 26 of the intron after coding-DNA position 956, 16 bases deleted (ATTCAGGTGAGGCCCC).
Molecular consequence: splice donor variant.
Genome position (GRCh38, 1-based): chr20:62,351,678-62,351,693, GGGGCCTCACCTGAAT deleted on the plus strand (ATTCAGGTGAGGCCCC on the coding strand, the reverse complement: LAMA5 is on the minus strand); deleting any 16 consecutive bases within chr20:62,351,678-62,351,708 gives the same sequence; the c. name uses the placement nearest the transcript's 3' end. VCF-style (leftmost placement, unchanged base first): chr20-62351677-CGGGGCCTCACCTGAAT-C. GRCh37 (hg19) VCF-style: chr20-60926733-CGGGGCCTCACCTGAAT-C.
Other names: c.956+11_956+26del16 (NM_005560.4).
Identifiers: ClinVar variation 1647624 (VCV001647624.10), dbSNP rs373759191, ClinGen allele CA9944200.